The following is an entry in ClinVar:

ClinVar aggregate classification (germline): Uncertain significance. Review status: criteria provided, multiple submitters, no conflicts (2 of 4 stars). 2 submissions from 2 submitters: Uncertain significance (2). Last evaluated 2024-03-16.

Conditions:
Congenital heart disease (CHD). Identifiers: MedGen C0152021, MONDO:0005453. Disease mechanism: unknown.

gnomAD v4.1: 3 of 1,602,970 alleles (0.00019%); highest among the groups gnomAD compares: East Asian, 0.0022%; no homozygotes.

Submissions (2):

Ambry Genetics
Classification: Uncertain significance. Last evaluated: 2024-03-16. Review status: criteria provided, single submitter. Criteria: Ambry Variant Classification Scheme 2023. Collection method: clinical testing. Allele origin: germline.
Comment: The p.A350P variant (also known as c.1048G>C) is located in coding exon 7 of the CTNNA3 gene. The alanine at codon 350 is replaced by proline, an amino acid with highly similar properties. This change occurs in the first base pair of coding exon 7. This amino acid position is conserved. In addition, this alteration is predicted to be tolerated by in silico analysis. Based on the available evidence, the clinical significance of this alteration remains unclear.

Department of Pathology and Laboratory Medicine, Sinai Health System
Classification: Uncertain significance for congenital heart disease. Last evaluated: 2022-06-22. Review status: criteria provided, single submitter. Criteria: ACMG Guidelines, 2015. Collection method: research. Allele origin: germline.

NM_013266.4(CTNNA3):c.1048G>C (p.Ala350Pro)

Gene: CTNNA3 (catenin alpha 3; minus strand). Cytogenetic location: 10q21.3.
Variant type: single nucleotide variant.
Coding change: c.1048G>C on transcript NM_013266.4 (MANE Select); coding-DNA position 1048, G replaced by C.
Protein change: p.Ala350Pro; replaces alanine 350 with proline.
Molecular consequence: missense variant.
Genome position (GRCh38, 1-based): chr10:66,775,524, C>G on the plus strand (G>C on the coding strand, the complement: CTNNA3 is on the minus strand). VCF-style: chr10-66775524-C-G. GRCh37 (hg19) VCF-style: chr10-68535282-C-G.
Other names: c.1048G>C, p.Ala350Pro (NM_001127384.3); short protein forms A350P.
Identifiers: ClinVar variation 3270116 (VCV003270116.2).